The following is an entry in ClinVar:

ClinVar aggregate classification (germline): Uncertain significance (1 of 4 stars; one submission).

Conditions:
Familial isolated arrhythmogenic right ventricular dysplasia. Identifiers: Orphanet 217656, MedGen C4274968, MONDO:0016342.

Submission:

All of Us Research Program, National Institutes of Health
Classification: Uncertain significance for Familial isolated arrhythmogenic right ventricular dysplasia. Last evaluated: 2023-11-30. Review status: criteria provided, single submitter. Criteria: ACMG Guidelines, 2015. Collection method: clinical testing. Allele origin: germline. Inheritance: Autosomal dominant inheritance. Observed: 1 variant allele, 1 heterozygote.
Comment: This study involves interpretation of variants in research participants for the purpose of population health screening. Participant phenotype was not available at the time of variant classification. Additional details can be found in publication PMID: 35346344, PMCID: PMC8962531

NM_024422.6(DSC2):c.213C>G (p.Phe71Leu)

Gene: DSC2 (desmocollin 2; minus strand). Cytogenetic location: 18q12.1.
Variant type: single nucleotide variant.
Coding change: c.213C>G on transcript NM_024422.6 (MANE Select); coding-DNA position 213, C replaced by G.
Protein change: p.Phe71Leu; replaces phenylalanine 71 with leucine.
Molecular consequence: missense variant. On other transcripts: 5 prime UTR variant (2).
Genome position (GRCh38, 1-based): chr18:31,092,242, G>C on the plus strand (C>G on the coding strand, the complement: DSC2 is on the minus strand). VCF-style: chr18-31092242-G-C. GRCh37 (hg19) VCF-style: chr18-28672205-G-C.
Other names: c.-217C>G (NM_001406506.1, NM_001406507.1); c.213C>G, p.Phe71Leu (NM_004949.5); short protein forms F71L.
Identifiers: ClinVar variation 3073050 (VCV003073050.1), dbSNP rs755760151, ClinGen allele CA402114869.